The following is an entry in ClinVar:

ClinVar aggregate classification (germline): Uncertain significance (1 of 4 stars; one submission).

Conditions:
Desmin-related myofibrillar myopathy (MFM1). Also called: MYOFIBRILLAR MYOPATHY WITH ARRHYTHMOGENIC RIGHT VENTRICULAR CARDIOMYOPATHY; DESMIN-RELATED MYOPATHY WITH ARRHYTHMOGENIC RIGHT VENTRICULAR CARDIOMYOPATHY; Desminopathy; Desmin related myopathy (former name); Desmin storage myopathy (former name); Myofibrillar myopathy 1. Identifiers: Orphanet 363543, Orphanet 98909, MedGen C1832370, MONDO:0011076, OMIM 601419.

Submission:

Labcorp Genetics (formerly Invitae), Labcorp
Classification: Uncertain significance for Desmin-related myofibrillar myopathy. Last evaluated: 2025-06-09. Review status: criteria provided, single submitter. Criteria: Invitae Variant Classification Sherloc (09022015). Collection method: clinical testing. Allele origin: germline.
Comment: This sequence change replaces alanine, which is neutral and non-polar, with serine, which is neutral and polar, at codon 307 of the DES protein (p.Ala307Ser). This variant is not present in population databases (gnomAD no frequency). This variant has not been reported in the literature in individuals affected with DES-related conditions. ClinVar contains an entry for this variant (Variation ID: 2947025). Invitae Evidence Modeling of protein sequence and biophysical properties (such as structural, functional, and spatial information, amino acid conservation, physicochemical variation, residue mobility, and thermodynamic stability) has been performed for this missense variant. However, the output from this modeling did not meet the statistical confidence thresholds required to predict the impact of this variant on DES protein function. In summary, the available evidence is currently insufficient to determine the role of this variant in disease. Therefore, it has been classified as a Variant of Uncertain Significance.

NM_001927.4(DES):c.919G>T (p.Ala307Ser)

Gene: DES (desmin; plus strand). Cytogenetic location: 2q35.
Variant type: single nucleotide variant.
Coding change: c.919G>T on transcript NM_001927.4 (MANE Select); coding-DNA position 919, G replaced by T.
Protein change: p.Ala307Ser; replaces alanine 307 with serine.
Molecular consequence: missense variant. On other transcripts: intron variant (1).
Genome position (GRCh38, 1-based): chr2:219,420,849, G>T. VCF-style: chr2-219420849-G-T. GRCh37 (hg19) VCF-style: chr2-220285571-G-T.
Other names: c.916G>T, p.Ala306Ser (NM_001382708.1); c.919G>T, p.Ala307Ser (NM_001382710.1, NM_001382711.1, NM_001382712.1); c.649G>T, p.Ala217Ser (NM_001382713.1); c.735+503G>T (NM_001382709.1); short protein forms A306S, A217S, A307S.
Identifiers: ClinVar variation 2947025 (VCV002947025.3), dbSNP rs2545253004, ClinGen allele CA350692353.